The following is an entry in ClinVar:

NM_000548.5(TSC2):c.3324G>A (p.Ala1108=)

Gene: TSC2 (TSC complex subunit 2; plus strand). Cytogenetic location: 16p13.3.
Variant type: single nucleotide variant.
Coding change: c.3324G>A on transcript NM_000548.5 (MANE Select); coding-DNA position 3324, G replaced by A.
Protein change: p.Ala1108=; no amino-acid change (alanine 1108 retained).
Molecular consequence: synonymous variant.
Genome position (GRCh38, 1-based): chr16:2,079,596, G>A. VCF-style: chr16-2079596-G-A. GRCh37 (hg19) VCF-style: chr16-2129597-G-A.
Other names: c.3192G>A, p.Ala1064= (NM_001077183.3, NM_001370404.1); c.3324G>A, p.Ala1108= (NM_001114382.3); c.3084G>A, p.Ala1028= (NM_001318827.2); c.3048G>A, p.Ala1016= (NM_001318829.2); c.2592G>A, p.Ala864= (NM_001318831.2); c.3225G>A, p.Ala1075= (NM_001318832.2); c.3195G>A, p.Ala1065= (NM_001363528.2, NM_001370405.1, NM_021055.3).
Identifiers: ClinVar variation 187001 (VCV000187001.21), dbSNP rs786203392, ClinGen allele CA018889.

ClinVar aggregate classification (germline): Benign/Likely benign. Review status: criteria provided, multiple submitters, no conflicts (2 of 4 stars). 6 submissions from 6 submitters: Benign (2); Likely benign (4). Last evaluated 2026-06-01.

Conditions:
Hereditary cancer-predisposing syndrome. Also called: Tumor predisposition; Neoplastic Syndromes, Hereditary; Hereditary Cancer Syndrome; Hereditary neoplastic syndrome. Identifiers: Orphanet 140162, MedGen C0027672, MeSH D009386, MONDO:0015356.
Tuberous sclerosis syndrome (TSC). Also called: Tuberous Sclerosis Complex; Tuberous sclerosis. Identifiers: Orphanet 805, MedGen C0041341, MONDO:0001734.
Tuberous sclerosis 2 (TSC2). Identifiers: Orphanet 805, MedGen C1860707, MONDO:0013199, OMIM 613254.

Allele frequency attached by ClinVar (database versions not stated): TOPMed below 0.00001.
gnomAD v4.1: 1 of 1,611,472 alleles (0.000062%); highest among the groups gnomAD compares: Non-Finnish European, 0.000085%; no homozygotes.

Submissions (6):

CeGaT Center for Human Genetics Tuebingen
Classification: Likely benign. Last evaluated: 2026-06-01. Review status: criteria provided, single submitter. Criteria: CeGaT Center For Human Genetics Tuebingen Variant Classification Criteria Version 2. Collection method: clinical testing. Allele origin: germline. Affected: yes. Observed: 1 variant allele.
Comment: TSC2: BP4, BP7

Labcorp Genetics (formerly Invitae), Labcorp
Classification: Likely benign for Tuberous sclerosis 2. Last evaluated: 2025-09-13. Review status: criteria provided, single submitter. Criteria: Invitae Variant Classification Sherloc (09022015). Collection method: clinical testing. Allele origin: germline.

Myriad Genetics, Inc.
Classification: Benign for Tuberous sclerosis 2. Last evaluated: 2025-05-28. Review status: criteria provided, single submitter. Criteria: Myriad Autosomal Dominant, Autosomal Recessive and X-Linked Classification Criteria (2023). Collection method: clinical testing. Allele origin: unknown.
Comment: This variant is considered benign. This variant is a silent/synonymous amino acid change and it is not expected to impact splicing.

All of Us Research Program, National Institutes of Health
Classification: Likely benign for Tuberous sclerosis syndrome. Last evaluated: 2023-06-26. Review status: criteria provided, single submitter. Criteria: ACMG Guidelines, 2015. Collection method: clinical testing. Allele origin: germline. Inheritance: Autosomal dominant inheritance. Observed: 1 variant allele, 1 heterozygote.
Comment: This study involves interpretation of variants in research participants for the purpose of population health screening. Participant phenotype was not available at the time of variant classification. Additional details can be found in publication PMID: 35346344, PMCID: PMC8962531

Genome-Nilou Lab
Classification: Benign for Tuberous sclerosis 2. Last evaluated: 2021-11-07. Review status: criteria provided, single submitter. Criteria: ACMG Guidelines, 2015. Collection method: clinical testing. Allele origin: germline. Affected: no.

Ambry Genetics
Classification: Likely benign for Hereditary cancer-predisposing syndrome. Last evaluated: 2014-11-11. Review status: criteria provided, single submitter. Criteria: Ambry Variant Classification Scheme 2023. Collection method: clinical testing. Allele origin: germline.